The following is an entry in ClinVar:

NM_001349338.3(FOXP1):c.1949C>A (p.Ser650Tyr)

Gene: FOXP1 (forkhead box P1; minus strand). Cytogenetic location: 3p13.
Variant type: single nucleotide variant.
Coding change: c.1949C>A on transcript NM_001349338.3 (MANE Select); coding-DNA position 1949, C replaced by A.
Protein change: p.Ser650Tyr; replaces serine 650 with tyrosine.
Molecular consequence: missense variant. On other transcripts: non-coding transcript variant (2).
Genome position (GRCh38, 1-based): chr3:70,959,332, G>T on the plus strand (C>A on the coding strand, the complement: FOXP1 is on the minus strand). VCF-style: chr3-70959332-G-T. GRCh37 (hg19) VCF-style: chr3-71008483-G-T.
Other names: c.1946C>A, p.Ser649Tyr (NM_001244808.3, NM_001349341.3); c.1997C>A, p.Ser666Tyr (NM_001244810.2); c.1721C>A, p.Ser574Tyr (NM_001244812.3); c.1649C>A, p.Ser550Tyr (NM_001244813.3, NM_001244815.2, NM_001349342.3); c.1949C>A, p.Ser650Tyr (NM_001244814.3, NM_001244816.2, NM_001349340.3 and 1 more transcripts); c.1646C>A, p.Ser549Tyr (NM_001349337.2, NM_001349343.3, NM_001349344.3 and 1 more transcripts); short protein forms S549Y, S550Y, S574Y, S649Y, S650Y, S666Y.
Identifiers: ClinVar variation 1315544 (VCV001315544.2), dbSNP rs2106857321, ClinGen allele CA353488577.
Genomic context (GRCh38, chr3:70,959,332, plus strand): 5'-TCATCTTCGTAATCTCTGTCATGGTCAAAATCTGGACTGTGGTTGGCTGTTGTCACTAAG[G>T]ACAGGGGCCCTTCAGCTTCCTCTGGATCGAGGGGCTCTTCTTTGACGTGTACAGGATGCC-3'
Protein context (NP_001336267.1, residues 640-660): LDPEEAEGPL[Ser650Tyr]LVTTANHSPD

ClinVar aggregate classification (germline): Uncertain significance (1 of 4 stars; one submission).

Submission:

GeneDx
Classification: Uncertain significance. Last evaluated: 2021-10-27. Review status: criteria provided, single submitter. Criteria: GeneDx Variant Classification Process June 2021. Collection method: clinical testing. Allele origin: germline. Affected: yes.
Comment: Not observed at significant frequency in large population cohorts (Lek et al., 2016); In silico analysis supports that this missense variant has a deleterious effect on protein structure/function; Has not been previously published as pathogenic or benign to our knowledge